The following is an entry in ClinVar:

NM_015346.4(ZFYVE26):c.4669G>A (p.Ala1557Thr)

Gene: ZFYVE26 (zinc finger FYVE-type containing 26; minus strand). Cytogenetic location: 14q24.1.
Variant type: single nucleotide variant.
Coding change: c.4669G>A on transcript NM_015346.4 (MANE Select); coding-DNA position 4669, G replaced by A.
Protein change: p.Ala1557Thr; replaces alanine 1557 with threonine.
Molecular consequence: missense variant.
Genome position (GRCh38, 1-based): chr14:67,780,246, C>T on the plus strand (G>A on the coding strand, the complement: ZFYVE26 is on the minus strand). VCF-style: chr14-67780246-C-T. GRCh37 (hg19) VCF-style: chr14-68246963-C-T.
Other names: short protein forms A1557T.
Identifiers: ClinVar variation 4074680 (VCV004074680.1).
Genomic context (GRCh38, chr14:67,780,246, plus strand): 5'-GGGGTTGTAACTCTGAAAGGAGGATGAAGGGGAACACCACCCAGGAAAACGGTACCTGTG[C>T]TTCTAGAATCATGTTCATGACAGTTGATGGGTCCTCAACACAACAGCTCCTCAAGGTCTG-3'
Protein context (NP_056161.2, residues 1547-1567): PSTVMNMILE[Ala1557Thr]QEYELCEEWG

ClinVar aggregate classification (germline): Uncertain significance (1 of 4 stars; one submission).

gnomAD v4.1: 1 of 1,613,780 alleles (0.000062%); highest among the groups gnomAD compares: East Asian, 0.0022%; no homozygotes.

Submission:

GeneDx
Classification: Uncertain significance. Last evaluated: 2025-02-11. Review status: criteria provided, single submitter. Criteria: GeneDx Variant Classification Process June 2021. Collection method: clinical testing. Allele origin: germline. Affected: yes.
Comment: Not observed at significant frequency in large population cohorts (gnomAD); In silico analysis indicates that this missense variant does not alter protein structure/function; Has not been previously published as pathogenic or benign to our knowledge